The following is an entry in ClinVar:

NM_005732.4(RAD50):c.3475+9dup

Genes: RAD50 (RAD50 double strand break repair protein; plus strand), TH2-LCR (Th2 cytokine locus control region; plus strand), TH2LCRR (T helper type 2 locus control region associated RNA; minus strand). Cytogenetic location: 5q31.1.
Variant type: Duplication.
Coding change: c.3475+9dup on transcript NM_005732.4 (MANE Select); 9 bases into the intron after coding-DNA position 3475, one base duplicated (C; older notation c.3475+9dupC).
Molecular consequence: intron variant.
Genome position (GRCh38, 1-based): chr5:132,637,209, C duplicated; the last of 2 consecutive C bases (chr5:132,637,208-132,637,209); duplicating either gives the same sequence. VCF-style (leftmost placement, unchanged base first): chr5-132637207-A-AC. GRCh37 (hg19) VCF-style: chr5-131972899-A-AC.
Other names: c.3475+9dup (NM_005732.3).
Identifiers: ClinVar variation 1573809 (VCV001573809.9), dbSNP rs2149862832, ClinGen allele CA2573139088.

ClinVar aggregate classification (germline): Conflicting classifications of pathogenicity. Review status: criteria provided, conflicting classifications (1 of 4 stars). 2 submissions from 2 submitters: Uncertain significance (1); Likely benign (1). Last evaluated 2022-12-28.

Conditions:
Hereditary cancer-predisposing syndrome. Also called: Hereditary Cancer Syndrome; Tumor predisposition; Neoplastic Syndromes, Hereditary; Hereditary neoplastic syndrome. Identifiers: Orphanet 140162, MedGen C0027672, MeSH D009386, MONDO:0015356.

Submissions (2):

Quest Diagnostics Nichols Institute San Juan Capistrano
Classification: Uncertain significance. Last evaluated: 2022-12-28. Review status: criteria provided, single submitter. Criteria: Quest Diagnostics criteria. Collection method: clinical testing. Allele origin: unknown.
Comment: To the best of our knowledge, the variant has not been reported in the published literature. It also has not been reported in large, multi-ethnic general populations. Analysis of this variant using software algorithms for the prediction of the effect of nucleotide changes on splicing yielded predictions that this variant does not affect RAD50 mRNA splicing . Based on the available information, we are unable to determine the clinical significance of this variant.

Labcorp Genetics (formerly Invitae), Labcorp
Classification: Likely benign for Hereditary cancer-predisposing syndrome. Last evaluated: 2021-12-11. Review status: criteria provided, single submitter. Criteria: Invitae Variant Classification Sherloc (09022015). Collection method: clinical testing. Allele origin: germline.